The following is an entry in ClinVar:

NM_000049.4(ASPA):c.742C>T (p.Gln248Ter)

Genes: SPATA22 (spermatogenesis associated 22; minus strand), ASPA (aspartoacylase; plus strand). Cytogenetic location: 17p13.2.
Variant type: single nucleotide variant.
Coding change: c.742C>T on transcript NM_000049.4 (MANE Select); coding-DNA position 742, C replaced by T.
Protein change: p.Gln248Ter; replaces glutamine 248 with a stop codon.
Molecular consequence: nonsense. On other transcripts: intron variant (2).
Genome position (GRCh38, 1-based): chr17:3,494,457, C>T. VCF-style: chr17-3494457-C-T. GRCh37 (hg19) VCF-style: chr17-3397751-C-T.
Other names: c.742C>T, p.Gln248Ter (NM_001128085.1); c.-74+18955G>A (NM_001321336.2, NM_001321337.2); short protein forms Q248*.
Identifiers: ClinVar variation 4818500 (VCV004818500.1).
Genomic context (GRCh38, chr17:3,494,457, plus strand): 5'-AAAGTTGATTACCCCCGGGATGAAAATGGAGAAATTGCTGCTATCATCCATCCTAATCTG[C>T]AGGTAACATTTGTTCTTTCTTTAAAATGTTGAAAATAATAATGCTGTACCTTTGAATAGA-3'

ClinVar aggregate classification (germline): Likely pathogenic (1 of 4 stars; one submission).

Conditions:
Spongy degeneration of central nervous system. Also called: ACY2 DEFICIENCY; AMINOACYLASE 2 DEFICIENCY; ASP DEFICIENCY; ASPA DEFICIENCY; ASPARTOACYLASE DEFICIENCY; CANAVAN-VAN BOGAERT-BERTRAND DISEASE. Identifiers: Orphanet 141, MedGen C0206307, MONDO:0010079, OMIM 271900.

Submission:

Natera, Inc.
Classification: Likely pathogenic for Canavan Disease. Last evaluated: 2025-10-28. Review status: criteria provided, single submitter. Criteria: Natera Variant Classification Schema (03/2026). Collection method: clinical testing. Allele origin: germline.
Comment: The c.742C>T variant in ASPA is a nonsense variant predicted to introduce a stop codon at amino acid 248. This variant is expected to result in nonsense mediated decay, truncation, or a dysfunctional protein product. This variant is rare in the general population with a frequency below the threshold expected for the associated phenotype(s). Given the available evidence, this variant is classified as Likely Pathogenic.